The following is an entry in ClinVar:

ClinVar aggregate classification (germline): Likely benign (1 of 4 stars; one submission).

Submission:

Women's Health and Genetics/Laboratory Corporation of America, LabCorp
Classification: Likely benign. Last evaluated: 2026-06-18. Review status: criteria provided, single submitter. Criteria: LabCorp Variant Classification Summary - May 2015. Collection method: clinical testing. Allele origin: germline.
Comment: Variant summary: KCNMA1 c.1594-20A>G alters a nucleotide located at a position not widely known to affect splicing. Consensus agreement among computation tools predict no significant impact on normal splicing. However, these predictions have yet to be confirmed by functional studies. The variant was absent in 251238 control chromosomes. The available data on variant occurrences in the general population are insufficient to allow any conclusion about variant significance. To our knowledge, no occurrence of c.1594-20A>G in individuals affected with KCNMA1-related conditions and no experimental evidence demonstrating its impact on protein function have been reported. No submitters have cited clinical-significance assessments for this variant to ClinVar. Based on the evidence outlined above, the variant was classified as likely benign.

NM_001161352.2(KCNMA1):c.1594-20A>G

Gene: KCNMA1 (potassium calcium-activated channel subfamily M alpha 1; minus strand). Cytogenetic location: 10q22.3.
Variant type: single nucleotide variant.
Coding change: c.1594-20A>G on transcript NM_001161352.2 (MANE Select); 20 bases into the intron before coding-DNA position 1594, A replaced by G.
Molecular consequence: intron variant.
Genome position (GRCh38, 1-based): chr10:77,073,272, T>C on the plus strand (A>G on the coding strand, the complement: KCNMA1 is on the minus strand). VCF-style: chr10-77073272-T-C. GRCh37 (hg19) VCF-style: chr10-78833030-T-C.
Other names: c.1432-20A>G (NM_001271518.2); c.1594-20A>G (NM_001322832.2, NM_001410940.1, NM_001437423.1 and 9 more transcripts); c.1054-20A>G (NM_001322838.2); c.1726-20A>G (NM_001437422.1).
Identifiers: ClinVar variation 4887131 (VCV004887131.1).